The following is an entry in ClinVar:

ClinVar aggregate classification (germline): Uncertain significance (1 of 4 stars; one submission).

Submission:

GeneDx
Classification: Uncertain significance. Last evaluated: 2026-04-03. Review status: criteria provided, single submitter. Criteria: GeneDx Variant Classification Process June 2021. Collection method: clinical testing. Allele origin: germline.
Comment: Not observed at significant frequency in large population cohorts (gnomAD); In silico analysis suggests that this missense variant does not alter protein structure/function; Has not been previously published as pathogenic or benign to our knowledge

NM_001003694.2(BRPF1):c.547G>A (p.Glu183Lys)

Gene: BRPF1 (bromodomain and PHD finger containing 1; plus strand). Cytogenetic location: 3p25.3.
Variant type: single nucleotide variant.
Coding change: c.547G>A on transcript NM_001003694.2 (MANE Select); coding-DNA position 547, G replaced by A.
Protein change: p.Glu183Lys; replaces glutamic acid 183 with lysine.
Molecular consequence: missense variant. On other transcripts: non-coding transcript variant (1).
Genome position (GRCh38, 1-based): chr3:9,734,687, G>A. VCF-style: chr3-9734687-G-A. GRCh37 (hg19) VCF-style: chr3-9776371-G-A.
Other names: c.547G>A, p.Glu183Lys (NM_001319049.2, NM_001319050.2, NM_001410704.1 and 7 more transcripts); short protein forms E183K.
Identifiers: ClinVar variation 5018127 (VCV005018127.1).